The following is an entry in ClinVar:

ClinVar aggregate classification (germline): Uncertain significance (1 of 4 stars; one submission).

Conditions:
Nemaline myopathy 2 (NEM2). Also called: Nemaline myopathy 2, autosomal recessive. Identifiers: MedGen C1850569, MONDO:0009725, OMIM 256030.

Submission:

Labcorp Genetics (formerly Invitae), Labcorp
Classification: Uncertain significance for Nemaline myopathy 2. Last evaluated: 2022-03-18. Review status: criteria provided, single submitter. Criteria: Invitae Variant Classification Sherloc (09022015). Collection method: clinical testing. Allele origin: germline.
Comment: This variant has not been reported in the literature in individuals affected with NEB-related conditions. Algorithms developed to predict the effect of missense changes on protein structure and function are either unavailable or do not agree on the potential impact of this missense change (SIFT: "Deleterious"; PolyPhen-2: "Not Available"; Align-GVGD: "Class C0"). Algorithms developed to predict the effect of sequence changes on RNA splicing suggest that this variant may create or strengthen a splice site. In summary, the available evidence is currently insufficient to determine the role of this variant in disease. Therefore, it has been classified as a Variant of Uncertain Significance. This variant is not present in population databases (gnomAD no frequency). This sequence change replaces serine, which is neutral and polar, with glycine, which is neutral and non-polar, at codon 3483 of the NEB protein (p.Ser3483Gly).

NM_001164508.2(NEB):c.10447A>G (p.Ser3483Gly)

Gene: NEB (nebulin; minus strand). Cytogenetic location: 2q23.3.
Variant type: single nucleotide variant.
Coding change: c.10447A>G on transcript NM_001164508.2 (MANE Select); coding-DNA position 10447, A replaced by G.
Protein change: p.Ser3483Gly; replaces serine 3483 with glycine.
Molecular consequence: missense variant.
Genome position (GRCh38, 1-based): chr2:151,625,539, T>C on the plus strand (A>G on the coding strand, the complement: NEB is on the minus strand). VCF-style: chr2-151625539-T-C. GRCh37 (hg19) VCF-style: chr2-152482053-T-C.
Other names: c.10447A>G, p.Ser3483Gly (NM_001164507.2, NM_001271208.2); c.9718A>G, p.Ser3240Gly (NM_004543.5); short protein forms S3240G, S3483G.
Identifiers: ClinVar variation 1965260 (VCV001965260.4), dbSNP rs1042515680, ClinGen allele CA57645712.